The following is an entry in ClinVar:

NM_001378418.1(TCF20):c.851A>C (p.Tyr284Ser)

Gene: TCF20 (transcription factor 20; minus strand). Cytogenetic location: 22q13.2.
Variant type: single nucleotide variant.
Coding change: c.851A>C on transcript NM_001378418.1 (MANE Select); coding-DNA position 851, A replaced by C.
Protein change: p.Tyr284Ser; replaces tyrosine 284 with serine.
Molecular consequence: missense variant.
Genome position (GRCh38, 1-based): chr22:42,214,455, T>G on the plus strand (A>C on the coding strand, the complement: TCF20 is on the minus strand). VCF-style: chr22-42214455-T-G. GRCh37 (hg19) VCF-style: chr22-42610461-T-G.
Other names: c.851A>C, p.Tyr284Ser (NM_005650.4, NM_181492.3); c.851A>C (NM_005650.3); short protein forms Y284S.
Identifiers: ClinVar variation 3009491 (VCV003009491.7), dbSNP rs755278956, ClinGen allele CA10267286.
Genomic context (GRCh38, chr22:42,214,455, plus strand): 5'-TTTGCCTGTTCAAAATTCTTCATAGATTGAGGCTGATAGCTGTAATTGGATTGTGTTCCA[T>G]AAGCCTGTGCATTAGAACCCACATTGTGTCCTTCATACTGAGATCCAGCATTCACATTGT-3'
Protein context (NP_001365347.1, residues 274-294): GHNVGSNAQA[Tyr284Ser]GTQSNYSYQP

ClinVar aggregate classification (germline): Conflicting classifications of pathogenicity. Review status: criteria provided, conflicting classifications (1 of 4 stars). 3 submissions from 3 submitters: Uncertain significance (1); Likely benign (1). 1 of the submissions does not count toward it. Last evaluated 2026-01-28.

Conditions:
TCF20-related disorder. Also called: TCF20-related condition.

Allele frequency attached by ClinVar (database versions not stated): TOPMed 0.00003; ExAC 0.00002; gnomAD 0.00002; gnomAD exomes below 0.00001.
gnomAD v4.1: 6 of 1,614,056 alleles (0.00037%); highest among the groups gnomAD compares: African/African-American, 0.0067%; no homozygotes.

Submissions (3):

Dasa
Classification: Likely benign. Last evaluated: 2026-01-28. Review status: criteria provided, single submitter. Criteria: DASA Assertion Criteria. Collection method: clinical testing. Allele origin: germline.
Comment: NM_001378418.1(TCF20):c.851A>C (p.Tyr284Ser) is a missense variant that results in the substitution of tyrosine with serine. The variant context is inconsistent with a known disease-causing mechanism. Computational prediction algorithms are consistent with a benign effect. Therefore, based on the currently available evidence, this variant is classified as likely benign.

Labcorp Genetics (formerly Invitae), Labcorp
Classification: Uncertain significance. Last evaluated: 2024-05-02. Review status: criteria provided, single submitter. Criteria: Invitae Variant Classification Sherloc (09022015). Collection method: clinical testing. Allele origin: germline.
Comment: This sequence change replaces tyrosine, which is neutral and polar, with serine, which is neutral and polar, at codon 284 of the TCF20 protein (p.Tyr284Ser). This variant is present in population databases (rs755278956, gnomAD 0.01%). This variant has not been reported in the literature in individuals affected with TCF20-related conditions. An algorithm developed to predict the effect of missense changes on protein structure and function (PolyPhen-2) suggests that this variant is likely to be disruptive. In summary, the available evidence is currently insufficient to determine the role of this variant in disease. Therefore, it has been classified as a Variant of Uncertain Significance.

PreventionGenetics, part of Exact Sciences
Classification: Uncertain significance for TCF20-related condition. Last evaluated: 2024-01-03. Review status: no assertion criteria provided. Collection method: clinical testing. Allele origin: germline. Not counted in ClinVar's aggregate classification.
Comment: The TCF20 c.851A>C variant is predicted to result in the amino acid substitution p.Tyr284Ser. To our knowledge, this variant has not been reported in the literature. This variant is reported in 0.0080% of alleles in individuals of African descent in gnomAD. At this time, the clinical significance of this variant is uncertain due to the absence of conclusive functional and genetic evidence.